The following is an entry in ClinVar:

ClinVar aggregate classification (germline): Conflicting classifications of pathogenicity. Review status: criteria provided, conflicting classifications (1 of 4 stars). 9 submissions from 9 submitters: Uncertain significance (6); Likely benign (3). Last evaluated 2026-01-27.

Conditions:
RET-related disorder. Also called: RET-related condition; RET-related disease; RET-related disorders.
Hereditary cancer-predisposing syndrome. Also called: Neoplastic Syndromes, Hereditary; Hereditary Cancer Syndrome; Tumor predisposition; Hereditary neoplastic syndrome. Identifiers: Orphanet 140162, MedGen C0027672, MeSH D009386, MONDO:0015356.
Hirschsprung disease, susceptibility to, 1 (HSCR1). Also called: RET-Related Hirschsprung Disease. Identifiers: Orphanet 388, MedGen C3888239, MONDO:0007723, OMIM 142623.
Multiple endocrine neoplasia type 2A. Also called: Multiple Endocrine Neoplasia Type 2A (MEN2A); MULTIPLE ENDOCRINE NEOPLASIA, TYPE IIA; PTC SYNDROME; SIPPLE SYNDROME; MEN 2A; MEN-2A syndrome. Identifiers: Orphanet 247698, Orphanet 653, MedGen C0025268, MeSH D018813, MONDO:0008234, OMIM 171400.
Multiple endocrine neoplasia, type 2 (MEN2). Identifiers: Orphanet 653, MedGen C4048306, MONDO:0019003. Disease mechanism: gain of function.

Allele frequency attached by ClinVar (database versions not stated): gnomAD 0.00001 and 0.00002; gnomAD exomes 0.00002 and 0.00006; TOPMed 0.00002; ExAC 0.00003.
gnomAD v4.1: 84 of 1,613,528 alleles (0.0052%); highest among the groups gnomAD compares: Non-Finnish European, 0.0067%; no homozygotes.

Submissions (9):

Labcorp Genetics (formerly Invitae), Labcorp
Classification: Uncertain significance for Multiple endocrine neoplasia, type 2. Last evaluated: 2026-01-27. Review status: criteria provided, single submitter. Criteria: Invitae Variant Classification Sherloc (09022015). Collection method: clinical testing. Allele origin: germline.
Comment: This sequence change replaces alanine, which is neutral and non-polar, with threonine, which is neutral and polar, at codon 325 of the RET protein (p.Ala325Thr). This variant is present in population databases (rs779719517, gnomAD 0.005%). This variant has not been reported in the literature in individuals affected with RET-related conditions. ClinVar contains an entry for this variant (Variation ID: 477393). An algorithm developed to predict the effect of missense changes on protein structure and function outputs the following: PolyPhen-2: "Benign". The threonine amino acid residue is found in multiple mammalian species, which suggests that this missense change does not adversely affect protein function. In summary, the available evidence is currently insufficient to determine the role of this variant in disease. Therefore, it has been classified as a Variant of Uncertain Significance.

Color Diagnostics, LLC DBA Color Health
Classification: Likely benign for Multiple endocrine neoplasia, type 2. Last evaluated: 2025-07-14. Review status: criteria provided, single submitter. Criteria: ACMG Guidelines, 2015. Collection method: clinical testing. Allele origin: germline.

PreventionGenetics, part of Exact Sciences
Classification: Uncertain significance for RET-related condition. Last evaluated: 2025-05-27. Review status: criteria provided, single submitter. Criteria: ACMG Guidelines, 2015. Collection method: clinical testing. Allele origin: germline.
Comment: The RET c.973G>A variant is predicted to result in the amino acid substitution p.Ala325Thr. This variant has been reported in the literature in one individual with breast cancer (Guindalini et al. 2022. PubMed ID: 35264596). This variant is reported in 0.0053% of alleles in individuals of European (Non-Finnish) descent in gnomAD and has conflicting interpretations in ClinVar regarding its pathogenicity, ranging from likely benign to a variant of uncertain significance. At this time, the clinical significance of this variant is uncertain due to the absence of conclusive functional and genetic evidence.

Myriad Genetics, Inc.
Classification: Likely benign for Multiple endocrine neoplasia type 2A. Last evaluated: 2025-02-25. Review status: criteria provided, single submitter. Criteria: Myriad Autosomal Dominant, Autosomal Recessive and X-Linked Classification Criteria (2023). Collection method: clinical testing. Allele origin: unknown.
Comment: This variant is considered likely benign. This variant has been observed at a population frequency that is significantly greater than expected given the associated disease prevalence and penetrance.

All of Us Research Program, National Institutes of Health
Classification: Uncertain significance for Multiple endocrine neoplasia, type 2. Last evaluated: 2024-01-11. Review status: criteria provided, single submitter. Criteria: ACMG Guidelines, 2015. Collection method: clinical testing. Allele origin: germline. Inheritance: Autosomal dominant inheritance. Observed: 11 variant alleles, 11 heterozygotes.
Comment: This missense variant replaces alanine with threonine at codon 325 of the RET protein. Computational prediction suggests that this variant may not impact protein structure and function (internally defined REVEL score threshold <= 0.5, PMID: 27666373). To our knowledge, functional studies have not been reported for this variant. This variant has not been reported in individuals affected with RET-related disorders in the literature. This variant has been identified in 6/248794 chromosomes in the general population by the Genome Aggregation Database (gnomAD). The available evidence is insufficient to determine the role of this variant in disease conclusively. Therefore, this variant is classified as a Variant of Uncertain Significance.

This study involves interpretation of variants in research participants for the purpose of population health screening. Participant phenotype was not available at the time of variant classification. Additional details can be found in publication PMID: 35346344, PMCID: PMC8962531

GeneDx
Classification: Uncertain significance. Last evaluated: 2023-12-07. Review status: criteria provided, single submitter. Criteria: GeneDx Variant Classification Process June 2021. Collection method: clinical testing. Allele origin: germline. Affected: yes.
Comment: In silico analysis supports that this missense variant does not alter protein structure/function; This variant is associated with the following publications: (PMID: 14633923, 30857943, 35739278, 35264596)

Baylor Genetics
Classification: Uncertain significance for Hirschsprung disease, susceptibility to, 1. Last evaluated: 2023-08-14. Review status: criteria provided, single submitter. Criteria: ACMG Guidelines, 2015. Collection method: clinical testing. Allele origin: unknown.

Ambry Genetics
Classification: Likely benign for Hereditary cancer-predisposing syndrome. Last evaluated: 2018-10-10. Review status: criteria provided, single submitter. Criteria: Ambry Variant Classification Scheme 2023. Collection method: clinical testing. Allele origin: germline.

Mendelics
Classification: Uncertain significance for Multiple endocrine neoplasia, type 2a. Last evaluated: 2018-07-02. Review status: criteria provided, single submitter. Criteria: Mendelics Assertion Criteria 2017. Collection method: clinical testing. Allele origin: unknown.

NM_020975.6(RET):c.973G>A (p.Ala325Thr)

Gene: RET (ret proto-oncogene; plus strand). Cytogenetic location: 10q11.21.
Variant type: single nucleotide variant.
Coding change: c.973G>A on transcript NM_020975.6 (MANE Select); coding-DNA position 973, G replaced by A.
Protein change: p.Ala325Thr; replaces alanine 325 with threonine.
Molecular consequence: missense variant.
Genome position (GRCh38, 1-based): chr10:43,106,481, G>A. VCF-style: chr10-43106481-G-A. GRCh37 (hg19) VCF-style: chr10-43601929-G-A.
Other names: c.973G>A, p.Ala325Thr (NM_000323.2, NM_001406743.1, NM_001406744.1 and 6 more transcripts); c.211G>A, p.Ala71Thr (NM_001355216.2); c.844G>A, p.Ala282Thr (NM_001406761.1, NM_001406762.1, NM_001406764.1 and 1 more transcripts); c.685G>A, p.Ala229Thr (NM_001406766.1, NM_001406767.1, NM_001406770.1); short protein forms A325T, A71T, A229T, A282T.
Identifiers: ClinVar variation 477393 (VCV000477393.22), dbSNP rs779719517, ClinGen allele CA045679.